The following is an entry in ClinVar:

NM_005026.5(PIK3CD):c.1929C>G (p.Ile643Met)

Gene: PIK3CD (phosphatidylinositol-4,5-bisphosphate 3-kinase catalytic subunit delta; plus strand). Cytogenetic location: 1p36.22.
Variant type: single nucleotide variant.
Coding change: c.1929C>G on transcript NM_005026.5 (MANE Select); coding-DNA position 1929, C replaced by G.
Protein change: p.Ile643Met; replaces isoleucine 643 with methionine.
Molecular consequence: missense variant. On other transcripts: intron variant (2).
Genome position (GRCh38, 1-based): chr1:9,721,561, C>G. VCF-style: chr1-9721561-C-G. GRCh37 (hg19) VCF-style: chr1-9781619-C-G.
Other names: c.1926C>G, p.Ile642Met (NM_001350234.2, NM_001439206.1); c.1842C>G, p.Ile614Met (NM_001350235.1); c.1929C>G, p.Ile643Met (NM_001437546.1); c.1812-200C>G (NM_001437547.1, NM_001438338.1); short protein forms I614M, I642M, I643M.
Identifiers: ClinVar variation 4798899 (VCV004798899.1).

ClinVar aggregate classification (germline): Uncertain significance (1 of 4 stars; one submission).

Conditions:
Immunodeficiency 14 (IMD14A). Also called: p110-DELTA-ACTIVATING MUTATION CAUSING SENESCENT T CELLS, LYMPHADENOPATHY, AND IMMUNODEFICIENCY; ACTIVATED PI3K-DELTA SYNDROME 1; Activated PI3K Delta Syndrome Type 1 (APDS1); IMMUNODEFICIENCY 14A WITH LYMPHOPROLIFERATION, AUTOSOMAL DOMINANT. Identifiers: Orphanet 397596, Orphanet 693661, MedGen C5907821, MONDO:0014222, OMIM 615513.

gnomAD v4.1: 1 of 1,613,610 alleles (0.000062%); highest among the groups gnomAD compares: Non-Finnish European, 0.000085%; no homozygotes.

Submission:

Labcorp Genetics (formerly Invitae), Labcorp
Classification: Uncertain significance for Activated PI3K-delta syndrome. Last evaluated: 2025-07-14. Review status: criteria provided, single submitter. Criteria: Invitae Variant Classification Sherloc (09022015). Collection method: clinical testing. Allele origin: germline.
Comment: This sequence change replaces isoleucine, which is neutral and non-polar, with methionine, which is neutral and non-polar, at codon 643 of the PIK3CD protein (p.Ile643Met). This variant is not present in population databases (gnomAD no frequency). This variant has not been reported in the literature in individuals affected with PIK3CD-related conditions. Invitae Evidence Modeling of protein sequence and biophysical properties (such as structural, functional, and spatial information, amino acid conservation, physicochemical variation, residue mobility, and thermodynamic stability) indicates that this missense variant is expected to disrupt PIK3CD protein function with a positive predictive value of 80%. In summary, the available evidence is currently insufficient to determine the role of this variant in disease. Therefore, it has been classified as a Variant of Uncertain Significance.